The following is an entry in ClinVar:

NM_012268.4(PLD3):c.734C>A (p.Thr245Asn)

Gene: PLD3 (phospholipase D family member 3; plus strand). Cytogenetic location: 19q13.2.
Variant type: single nucleotide variant.
Coding change: c.734C>A on transcript NM_012268.4 (MANE Select); coding-DNA position 734, C replaced by A.
Protein change: p.Thr245Asn; replaces threonine 245 with asparagine.
Molecular consequence: missense variant.
Genome position (GRCh38, 1-based): chr19:40,371,728, C>A. VCF-style: chr19-40371728-C-A. GRCh37 (hg19) VCF-style: chr19-40877635-C-A.
Other names: c.734C>A, p.Thr245Asn (NM_001031696.4, NM_001291311.2); short protein forms T245N.
Identifiers: ClinVar variation 1957240 (VCV001957240.5), dbSNP rs2514760749, ClinGen allele CA405871668.
Genomic context (GRCh38, chr19:40,371,728, plus strand): 5'-TACAGGTCAAGGAGCTGGGCGTGGTCATGTACAACTGCAGCTGCCTGGCTCGAGACCTGA[C>A]CAAGATCTTTGAGGCCTACTGGTTCCTGGGCCAGGCAGGCAGCTCCATCCCATCAACTTG-3'
Protein context (NP_036400.2, residues 235-255): YNCSCLARDL[Thr245Asn]KIFEAYWFLG

ClinVar aggregate classification (germline): Uncertain significance (1 of 4 stars; one submission).

gnomAD v4.1: 1 of 1,613,954 alleles (0.000062%); highest among the groups gnomAD compares: Non-Finnish European, 0.000085%; no homozygotes.

Submission:

Labcorp Genetics (formerly Invitae), Labcorp
Classification: Uncertain significance. Last evaluated: 2025-02-18. Review status: criteria provided, single submitter. Criteria: Invitae Variant Classification Sherloc (09022015). Collection method: clinical testing. Allele origin: germline.
Comment: This sequence change replaces threonine, which is neutral and polar, with asparagine, which is neutral and polar, at codon 245 of the PLD3 protein (p.Thr245Asn). This variant is not present in population databases (gnomAD no frequency). This variant has not been reported in the literature in individuals affected with PLD3-related conditions. ClinVar contains an entry for this variant (Variation ID: 1957240). An algorithm developed to predict the effect of missense changes on protein structure and function (PolyPhen-2) suggests that this variant is likely to be tolerated. In summary, the available evidence is currently insufficient to determine the role of this variant in disease. Therefore, it has been classified as a Variant of Uncertain Significance.